The following is an entry in ClinVar:

NM_000322.5(PRPH2):c.568A>G (p.Lys190Glu)

Gene: PRPH2 (peripherin 2; minus strand). Cytogenetic location: 6p21.1.
Variant type: single nucleotide variant.
Coding change: c.568A>G on transcript NM_000322.5 (MANE Select); coding-DNA position 568, A replaced by G.
Protein change: p.Lys190Glu; replaces lysine 190 with glutamic acid.
Molecular consequence: missense variant.
Genome position (GRCh38, 1-based): chr6:42,721,767, T>C on the plus strand (A>G on the coding strand, the complement: PRPH2 is on the minus strand). VCF-style: chr6-42721767-T-C. GRCh37 (hg19) VCF-style: chr6-42689505-T-C.
Other names: short protein forms K190E.
Identifiers: ClinVar variation 866791 (VCV000866791.8), dbSNP rs1761905174, ClinGen allele CA364137181.

ClinVar aggregate classification (germline): Conflicting classifications of pathogenicity. Review status: criteria provided, conflicting classifications (1 of 4 stars). 2 submissions from 2 submitters: Likely pathogenic (1); Uncertain significance (1). Last evaluated 2024-11-20.

Conditions:
PRPH2-related disorder. Also called: PRPH2-related condition; PRPH2-related disorders. Identifiers: MedGen CN239395.

Submissions (2):

Blueprint Genetics
Classification: Likely pathogenic for PRPH2-related disorders. Last evaluated: 2024-11-20. Review status: criteria provided, single submitter. Criteria: ACMG Guidelines, 2015. Collection method: clinical testing. Allele origin: germline. Affected: yes. Observed: 5 variant alleles.

Labcorp Genetics (formerly Invitae), Labcorp
Classification: Uncertain significance for PRPH2-related disorder. Last evaluated: 2023-10-26. Review status: criteria provided, single submitter. Criteria: Invitae Variant Classification Sherloc (09022015). Collection method: clinical testing. Allele origin: germline.
Comment: This sequence change replaces lysine, which is basic and polar, with glutamic acid, which is acidic and polar, at codon 190 of the PRPH2 protein (p.Lys190Glu). This variant is not present in population databases (gnomAD no frequency). This missense change has been observed in individual(s) with inherited retinal dystrophy (PMID: 35260635). ClinVar contains an entry for this variant (Variation ID: 866791). Advanced modeling of protein sequence and biophysical properties (such as structural, functional, and spatial information, amino acid conservation, physicochemical variation, residue mobility, and thermodynamic stability) has been performed at Invitae for this missense variant, however the output from this modeling did not meet the statistical confidence thresholds required to predict the impact of this variant on PRPH2 protein function. In summary, the available evidence is currently insufficient to determine the role of this variant in disease. Therefore, it has been classified as a Variant of Uncertain Significance.

Literature cited by the submitters: PubMed 35260635 (cited by Labcorp Genetics (formerly Invitae), Labcorp).